The following is an entry in ClinVar:

NM_001106.4(ACVR2B):c.1352C>T (p.Ala451Val)

Gene: ACVR2B (activin A receptor type 2B; plus strand). Cytogenetic location: 3p22.2.
Variant type: single nucleotide variant.
Coding change: c.1352C>T on transcript NM_001106.4 (MANE Select); coding-DNA position 1352, C replaced by T.
Protein change: p.Ala451Val; replaces alanine 451 with valine.
Molecular consequence: missense variant.
Genome position (GRCh38, 1-based): chr3:38,483,145, C>T. VCF-style: chr3-38483145-C-T. GRCh37 (hg19) VCF-style: chr3-38524636-C-T.
Other names: short protein forms A451V.
Identifiers: ClinVar variation 3353096 (VCV003353096.1).

ClinVar aggregate classification (germline): Uncertain significance (0 of 4 stars; one submission).

Conditions:
ACVR2B-related disorder. Also called: ACVR2B-related condition.

gnomAD v4.1: 69 of 1,614,034 alleles (0.0043%); highest among the groups gnomAD compares: Non-Finnish European, 0.0055%; no homozygotes.

Submission:

PreventionGenetics, part of Exact Sciences
Classification: Uncertain significance for ACVR2B-related condition. Last evaluated: 2024-07-02. Review status: no assertion criteria provided. Collection method: clinical testing. Allele origin: germline.
Comment: The ACVR2B c.1352C>T variant is predicted to result in the amino acid substitution p.Ala451Val. To our knowledge, this variant has not been reported in the literature. This variant is reported in 0.0035% of alleles in individuals of European (Non-Finnish) descent in gnomAD. At this time, the clinical significance of this variant is uncertain due to the absence of conclusive functional and genetic evidence.